The following is an entry in ClinVar:

NM_003477.3(PDHX):c.160G>A (p.Gly54Ser)

Genes: PDHX (pyruvate dehydrogenase complex component X; plus strand), LOC130005549 (ATAC-STARR-seq lymphoblastoid active region 4608; plus strand). Cytogenetic location: 11p13.
Variant type: single nucleotide variant.
Coding change: c.160G>A on transcript NM_003477.3 (MANE Select); coding-DNA position 160, G replaced by A.
Protein change: p.Gly54Ser; replaces glycine 54 with serine.
Molecular consequence: missense variant. On other transcripts: intron variant (1).
Genome position (GRCh38, 1-based): chr11:34,916,815, G>A. VCF-style: chr11-34916815-G-A. GRCh37 (hg19) VCF-style: chr11-34938362-G-A.
Other names: p.G54S:GGT>AGT; c.160G>A, p.Gly54Ser (NM_001166158.2); c.-21+329G>A (NM_001135024.2); short protein forms G54S.
Identifiers: ClinVar variation 214954 (VCV000214954.4), dbSNP rs146678221, ClinGen allele CA322701.
Genomic context (GRCh38, chr11:34,916,815, plus strand): 5'-GGGTGGTCTGTAAGCCGCGGAGCTAATTGGAGATGGTTTCACAGCACGCAGTGGCTTCGG[G>A]GTGAGTGGCCGGGGCTCGCTCAGCTTCTCTGTGTAGCTGAGTGATGGGCCTGGGACAGGG-3'
Protein context (NP_003468.2, residues 44-64): RWFHSTQWLR[Gly54Ser]DPIKILMPSL

ClinVar aggregate classification (germline): Conflicting classifications of pathogenicity. Review status: criteria provided, conflicting classifications (1 of 4 stars). 3 submissions from 3 submitters: Uncertain significance (2); Likely benign (1). Last evaluated 2024-03-28.

Allele frequency attached by ClinVar (database versions not stated): gnomAD 0.00003 and 0.00004; gnomAD exomes 0.00003; ExAC 0.00006; TOPMed 0.00006; ESP Exome Variant Server 0.00008.
gnomAD v4.1: 15 of 1,571,184 alleles (0.00095%); highest among the groups gnomAD compares: East Asian, 0.014%; no homozygotes.

Submissions (3):

Women's Health and Genetics/Laboratory Corporation of America, LabCorp
Classification: Uncertain significance. Last evaluated: 2024-03-28. Review status: criteria provided, single submitter. Criteria: LabCorp Variant Classification Summary - May 2015. Collection method: clinical testing. Allele origin: germline.
Comment: Variant summary: PDHX c.160G>A (p.Gly54Ser) results in a non-conservative amino acid change in the encoded protein sequence. Three of five in-silico tools predict a benign effect of the variant on protein function. Several computational tools predict a significant impact on normal splicing: Three predict the variant weakens a 5' donor site. However, these predictions have yet to be confirmed by functional studies. The variant allele was found at a frequency of 3.4e-05 in 177032 control chromosomes (gnomAD). The available data on variant occurrences in the general population are insufficient to allow any conclusion about variant significance. To our knowledge, no occurrence of c.160G>A in individuals affected with Pyruvate Dehydrogenase E3-Binding Protein Deficiency and no experimental evidence demonstrating its impact on protein function have been reported. ClinVar contains an entry for this variant (Variation ID: 214954). Based on the evidence outlined above, the variant was classified as uncertain significance.

Blueprint Genetics
Classification: Uncertain significance. Last evaluated: 2019-04-12. Review status: criteria provided, single submitter. Criteria: ACMG Guidelines, 2015. Collection method: clinical testing. Allele origin: germline.

GeneDx
Classification: Likely benign. Last evaluated: 2014-02-04. Review status: criteria provided, single submitter. Criteria: GeneDx Variant Classification (06012015). Collection method: clinical testing. Allele origin: germline. Affected: yes.
Comment: This variant is considered likely benign or benign based on one or more of the following criteria: it is a conservative change, it occurs at a poorly conserved position in the protein, it is predicted to be benign by multiple in silico algorithms, and/or has population frequency not consistent with disease.